The following is an entry in ClinVar:

ClinVar aggregate classification (germline): Uncertain significance. Review status: criteria provided, single submitter (1 of 4 stars). 2 submissions from 2 submitters: Uncertain significance (1). 1 of the submissions does not count toward it. Last evaluated 2024-04-01.

Conditions:
BODY MASS INDEX QUANTITATIVE TRAIT LOCUS 20 (BMIQ20). Also called: MELANOCORTIN 4 RECEPTOR DEFICIENCY; MC4R DEFICIENCY. Identifiers: MedGen C4759928, OMIM 618406.

Submissions (2):

GeneDx
Classification: Uncertain significance. Last evaluated: 2024-04-01. Review status: criteria provided, single submitter. Criteria: GeneDx Variant Classification Process June 2021. Collection method: clinical testing. Allele origin: germline. Affected: yes.
Comment: Not observed at significant frequency in large population cohorts (gnomAD); In silico analysis supports that this missense variant does not alter protein structure/function; This variant is associated with the following publications: (PMID: 17628007, 12959994, 20462274, 31002796, 12499395, 22817722, 32949766, 31855179, 11487744, 28433713, 20696697, 26229975, 29031731, 25332687, 19184404)

OMIM
Classification: Pathogenic for OBESITY (BMIQ20). Last evaluated: 2001-08-01. Review status: no assertion criteria provided. Collection method: literature only. Allele origin: germline. Not counted in ClinVar's aggregate classification.

Literature cited by the submitters: PubMed 11487744 (cited by OMIM); PubMed 31002796 (cited by OMIM).

NM_005912.3(MC4R):c.148G>A (p.Val50Met)

Gene: MC4R (melanocortin 4 receptor; minus strand). Cytogenetic location: 18q21.32.
Variant type: single nucleotide variant.
Coding change: c.148G>A on transcript NM_005912.3 (MANE Select); coding-DNA position 148, G replaced by A.
Protein change: p.Val50Met; replaces valine 50 with methionine.
Molecular consequence: missense variant.
Genome position (GRCh38, 1-based): chr18:60,372,202, C>T on the plus strand (G>A on the coding strand, the complement: MC4R is on the minus strand). VCF-style: chr18-60372202-C-T. GRCh37 (hg19) VCF-style: chr18-58039435-C-T.
Other names: c.148G>A (NM_005912.2); short protein forms V50M.
Identifiers: ClinVar variation 14320 (VCV000014320.3), dbSNP rs121913557, ClinGen allele CA210713.